The following is an entry in ClinVar:

NC_000017.10:g.(?_2568646)_(2585096_?)dup

Gene: PAFAH1B1 (platelet activating factor acetylhydrolase 1b regulatory subunit 1; plus strand). Cytogenetic location: 17p13.3.
Variant type: Duplication.
Identifiers: ClinVar variation 1510696 (VCV001510696.4).

ClinVar aggregate classification (germline): Uncertain significance (1 of 4 stars; one submission).

Submission:

Labcorp Genetics (formerly Invitae), Labcorp
Classification: Uncertain significance. Last evaluated: 2022-07-06. Review status: criteria provided, single submitter. Criteria: Invitae Variant Classification Sherloc (09022015). Collection method: clinical testing. Allele origin: germline.
Comment: This variant results in a copy number gain of the genomic region encompassing exon(s) 3-11 of the PAFAH1B1 gene. This region includes the termination codon of the gene. This copy number gain extends beyond the assayed region for this gene and therefore may encompass additional genes. As the precise location of this event is unknown, it may be in tandem or it may be located elsewhere in the genome. This variant has not been reported in the literature in individuals affected with PAFAH1B1-related conditions. Experimental studies and prediction algorithms are not available or were not evaluated, and the functional significance of this variant is currently unknown. In summary, the available evidence is currently insufficient to determine the role of this variant in disease. Therefore, it has been classified as a Variant of Uncertain Significance.